The following is an entry in ClinVar:

NM_001098671.2(RASGRP2):c.1648C>T (p.Arg550Cys)

Gene: RASGRP2 (RAS guanyl releasing protein 2; minus strand). Cytogenetic location: 11q13.1.
Variant type: single nucleotide variant.
Coding change: c.1648C>T on transcript NM_001098671.2 (MANE Select); coding-DNA position 1648, C replaced by T.
Protein change: p.Arg550Cys; replaces arginine 550 with cysteine.
Molecular consequence: missense variant.
Genome position (GRCh38, 1-based): chr11:64,728,986, G>A on the plus strand (C>T on the coding strand, the complement: RASGRP2 is on the minus strand). VCF-style: chr11-64728986-G-A. GRCh37 (hg19) VCF-style: chr11-64496458-G-A.
Other names: c.1648C>T, p.Arg550Cys (NM_001098670.2, NM_153819.2); c.1213C>T, p.Arg405Cys (NM_001318398.2); short protein forms R550C, R405C.
Identifiers: ClinVar variation 1935227 (VCV001935227.5), dbSNP rs1326711154, ClinGen allele CA381130298.

ClinVar aggregate classification (germline): Uncertain significance (1 of 4 stars; one submission).

Allele frequency attached by ClinVar (database versions not stated): gnomAD exomes below 0.00001; gnomAD 0.00001; TOPMed 0.00002.
gnomAD v4.1: 8 of 1,609,250 alleles (0.0005%); highest among the groups gnomAD compares: African/African-American, 0.0013%; no homozygotes.

Submission:

Labcorp Genetics (formerly Invitae), Labcorp
Classification: Uncertain significance. Last evaluated: 2022-09-27. Review status: criteria provided, single submitter. Criteria: Invitae Variant Classification Sherloc (09022015). Collection method: clinical testing. Allele origin: germline.
Comment: In summary, the available evidence is currently insufficient to determine the role of this variant in disease. Therefore, it has been classified as a Variant of Uncertain Significance. Advanced modeling of protein sequence and biophysical properties (such as structural, functional, and spatial information, amino acid conservation, physicochemical variation, residue mobility, and thermodynamic stability) performed at Invitae indicates that this missense variant is not expected to disrupt RASGRP2 protein function. This variant has not been reported in the literature in individuals affected with RASGRP2-related conditions. The frequency data for this variant in the population databases is considered unreliable, as metrics indicate poor data quality at this position in the gnomAD database. This sequence change replaces arginine, which is basic and polar, with cysteine, which is neutral and slightly polar, at codon 550 of the RASGRP2 protein (p.Arg550Cys).